The following is an entry in ClinVar:

ClinVar aggregate classification (germline): Pathogenic/Likely pathogenic. Review status: criteria provided, multiple submitters, no conflicts (2 of 4 stars). 4 submissions from 4 submitters: Pathogenic (3); Likely pathogenic (1). Last evaluated 2024-12-02.

Conditions:
Bardet-Biedl syndrome (BBS). Identifiers: Orphanet 110, MedGen C0752166, MONDO:0015229.
Bardet-Biedl syndrome 9 (BBS9). Identifiers: Orphanet 110, MedGen C1859567, MONDO:0014437, OMIM 615986.

gnomAD v4.1: 16 of 1,612,892 alleles (0.00099%); highest among the groups gnomAD compares: Non-Finnish European, 0.0013%; no homozygotes.

Submissions (4):

Labcorp Genetics (formerly Invitae), Labcorp
Classification: Pathogenic for Bardet-Biedl syndrome. Last evaluated: 2024-12-02. Review status: criteria provided, single submitter. Criteria: Invitae Variant Classification Sherloc (09022015). Collection method: clinical testing. Allele origin: germline.
Comment: This sequence change affects a donor splice site in intron 17 of the BBS9 gene. It is expected to disrupt RNA splicing. Variants that disrupt the donor or acceptor splice site typically lead to a loss of protein function (PMID: 16199547), and loss-of-function variants in BBS9 are known to be pathogenic (PMID: 16380913, 20177705). This variant is present in population databases (rs201938124, gnomAD 0.0009%). Disruption of this splice site has been observed in individual(s) with Bardet-Biedl syndrome (PMID: 33138063). In at least one individual the data is consistent with being in trans (on the opposite chromosome) from a pathogenic variant. ClinVar contains an entry for this variant (Variation ID: 2680101). Algorithms developed to predict the effect of sequence changes on RNA splicing suggest that this variant may disrupt the consensus splice site. For these reasons, this variant has been classified as Pathogenic.

Gharavi Laboratory, Columbia University
Classification: Pathogenic for Bardet-Biedl syndrome 9. Last evaluated: 2024-11-05. Review status: criteria provided, single submitter. Criteria: ACMG Guidelines, 2015. Collection method: case-control. Allele origin: germline. Affected: yes.
Comment: Compound heterozygote variant with NM_198428.3:c.1120C>T

ENST00000242067

Department of Pathology and Laboratory Medicine, Sinai Health System
Classification: Likely pathogenic for Bardet-Biedl syndrome. Last evaluated: 2023-03-28. Review status: criteria provided, single submitter. Criteria: ACMG Guidelines, 2015. Collection method: research. Allele origin: germline.

Baylor Genetics
Classification: Pathogenic for Bardet-Biedl syndrome 9. Last evaluated: 2022-09-27. Review status: criteria provided, single submitter. Criteria: ACMG Guidelines, 2015. Collection method: clinical testing. Allele origin: unknown.

Literature cited by the submitters: PubMed 16199547 (cited by Labcorp Genetics (formerly Invitae), Labcorp); PubMed 16380913 (cited by Labcorp Genetics (formerly Invitae), Labcorp); PubMed 20177705 (cited by Labcorp Genetics (formerly Invitae), Labcorp); PubMed 33138063 (cited by Labcorp Genetics (formerly Invitae), Labcorp).

NM_198428.3(BBS9):c.1789+1G>C

Gene: BBS9 (Bardet-Biedl syndrome 9; plus strand). Cytogenetic location: 7p14.3.
Variant type: single nucleotide variant.
Coding change: c.1789+1G>C on transcript NM_198428.3 (MANE Select); the canonical splice donor site of the intron after coding-DNA position 1789, G replaced by C.
Molecular consequence: splice donor variant.
Genome position (GRCh38, 1-based): chr7:33,367,863, G>C. VCF-style: chr7-33367863-G-C. GRCh37 (hg19) VCF-style: chr7-33407475-G-C.
Other names: c.1789+1G>C (NM_001348041.4, NM_001348043.3, NM_001348036.1 and 1 more transcripts); c.1774+1G>C (NM_001033605.2); c.1684+1G>C (NM_001033604.2); c.1669+1G>C (NM_014451.4, NM_001348040.3); c.1318+1G>C (NM_001348044.3); c.1423+1G>C (NM_001348037.3, NM_001348045.3, NM_001348046.3); c.1654+1G>C (NM_001348042.3); c.1516+1G>C (NM_001348038.3); and 1 more.
Identifiers: ClinVar variation 2680101 (VCV002680101.6), dbSNP rs201938124, ClinGen allele CA4214490.